The following is an entry in ClinVar:

ClinVar aggregate classification (germline): Uncertain significance. Review status: criteria provided, multiple submitters, no conflicts (2 of 4 stars). 5 submissions from 5 submitters: Uncertain significance (3). 2 of the submissions do not count toward it. Last evaluated 2025-10-04.

Conditions:
Cystic fibrosis (CF). Also called: MUCOVISCIDOSIS. Identifiers: Orphanet 586, MedGen C0010674, MONDO:0009061, OMIM 219700. Disease mechanism: loss of function.
CFTR-related disorder (CFTR-RD). Also called: CFTR-related disorders; CFTR-related condition. Identifiers: MedGen C5924204, MONDO:7770004.

Allele frequency attached by ClinVar (database versions not stated): TOPMed 0.00001; gnomAD 0.00001; ExAC 0.00001; gnomAD exomes 0.00001.

Submissions (5):

Labcorp Genetics (formerly Invitae), Labcorp
Classification: Uncertain significance for Cystic fibrosis. Last evaluated: 2025-10-04. Review status: criteria provided, single submitter. Criteria: Invitae Variant Classification Sherloc (09022015). Collection method: clinical testing. Allele origin: germline.
Comment: This sequence change replaces cysteine, which is neutral and slightly polar, with phenylalanine, which is neutral and non-polar, at codon 1355 of the CFTR protein (p.Cys1355Phe). This variant is present in population databases (rs755028771, gnomAD 0.0009%). This missense change has been observed in individual(s) with clinical features of CFTR-related conditions (PMID: 28469871). ClinVar contains an entry for this variant (Variation ID: 558463). Invitae Evidence Modeling of protein sequence and biophysical properties (such as structural, functional, and spatial information, amino acid conservation, physicochemical variation, residue mobility, and thermodynamic stability) indicates that this missense variant is expected to disrupt CFTR protein function with a positive predictive value of 80%. Experimental studies have shown that this missense change affects CFTR function (PMID: 28469871). In summary, the available evidence is currently insufficient to determine the role of this variant in disease. Therefore, it has been classified as a Variant of Uncertain Significance.

Women's Health and Genetics/Laboratory Corporation of America, LabCorp
Classification: Uncertain significance. Last evaluated: 2025-08-29. Review status: criteria provided, single submitter. Criteria: LabCorp Variant Classification Summary - May 2015. Collection method: clinical testing. Allele origin: germline.
Comment: Variant summary: CFTR c.4064G>T (p.Cys1355Phe) results in a non-conservative amino acid change located in the ABC transporter-like, ATP-binding domain (IPR003439) of the encoded protein sequence. Algorithms developed to predict the effect of missense changes on protein structure and function all suggest that this variant is likely to be disruptive. The variant allele was found at a frequency of 8e-06 in 251244 control chromosomes. The available data on variant occurrences in the general population are insufficient to allow any conclusion about variant significance. c.4064G>T has been observed in an individual suspected with Cystic Fibrosis (Hinzpeter_2017). These report(s) do not provide unequivocal conclusions about association of the variant with Cystic Fibrosis. At least one publication reports experimental evidence suggesting an impact on protein function (Hinzpeter_2017). The following publication has been ascertained in the context of this evaluation (PMID: 28469871). ClinVar contains an entry for this variant (Variation ID: 558463). Based on the evidence outlined above, the variant was classified as uncertain significance.

Genome-Nilou Lab
Classification: Uncertain significance for Cystic fibrosis. Last evaluated: 2021-09-05. Review status: criteria provided, single submitter. Criteria: ACMG Guidelines, 2015. Collection method: clinical testing. Allele origin: germline. Affected: no.

Natera, Inc.
Classification: Uncertain significance for CFTR-related disorders. Last evaluated: 2020-08-01. Review status: no assertion criteria provided. Collection method: clinical testing. Allele origin: germline. Not counted in ClinVar's aggregate classification.

Counsyl
Classification: Uncertain significance for Cystic fibrosis. Last evaluated: 2018-05-23. Review status: no assertion criteria provided. Collection method: clinical testing. Allele origin: unknown. Not counted in ClinVar's aggregate classification.

Literature cited by the submitters: PubMed 28469871 (cited by 3 submitters).

NM_000492.4(CFTR):c.4064G>T (p.Cys1355Phe)

Gene: CFTR (CF transmembrane conductance regulator; plus strand). Cytogenetic location: 7q31.2.
Variant type: single nucleotide variant.
Coding change: c.4064G>T on transcript NM_000492.4 (MANE Select); coding-DNA position 4064, G replaced by T.
Protein change: p.Cys1355Phe; replaces cysteine 1355 with phenylalanine.
Molecular consequence: missense variant.
Genome position (GRCh38, 1-based): chr7:117,664,788, G>T. VCF-style: chr7-117664788-G-T. GRCh37 (hg19) VCF-style: chr7-117304842-G-T.
Other names: short protein forms C1355F.
Identifiers: ClinVar variation 558463 (VCV000558463.13), dbSNP rs755028771, ClinGen allele CA4451621.